The following is an entry in ClinVar:

NM_001035.3(RYR2):c.11812A>C (p.Ser3938Arg)

Gene: RYR2 (ryanodine receptor 2; plus strand). Cytogenetic location: 1q43.
Variant type: single nucleotide variant.
Coding change: c.11812A>C on transcript NM_001035.3 (MANE Select); coding-DNA position 11812, A replaced by C.
Protein change: p.Ser3938Arg; replaces serine 3938 with arginine.
Molecular consequence: missense variant.
Genome position (GRCh38, 1-based): chr1:237,778,702, A>C. VCF-style: chr1-237778702-A-C. GRCh37 (hg19) VCF-style: chr1-237942002-A-C.
Other names: p.S3938R:AGC>CGC; c.11812A>C, p.Ser3938Arg (LRG_402t1); short protein forms S3938R.
Identifiers: ClinVar variation 201396 (VCV000201396.13), dbSNP rs794728825, ClinGen allele CA007163.

ClinVar aggregate classification (germline): Conflicting classifications of pathogenicity. Review status: criteria provided, conflicting classifications (1 of 4 stars). 2 submissions from 2 submitters: Likely pathogenic (1); Uncertain significance (1). Last evaluated 2022-10-28.

Conditions:
Catecholaminergic polymorphic ventricular tachycardia 1. Also called: RYR2-Related Catecholaminergic Polymorphic Ventricular Tachycardia; VENTRICULAR TACHYCARDIA, CATECHOLAMINERGIC POLYMORPHIC, 1, WITH OR WITHOUT ATRIAL DYSFUNCTION AND/OR DILATED CARDIOMYOPATHY; VENTRICULAR TACHYCARDIA, STRESS-INDUCED POLYMORPHIC 1. Identifiers: Orphanet 3286, MedGen C1631597, MONDO:0011484, OMIM 604772.

Submissions (2):

Labcorp Genetics (formerly Invitae), Labcorp
Classification: Likely pathogenic for Catecholaminergic polymorphic ventricular tachycardia 1. Last evaluated: 2022-10-28. Review status: criteria provided, single submitter. Criteria: Invitae Variant Classification Sherloc (09022015). Collection method: clinical testing. Allele origin: germline.
Comment: This variant is not present in population databases (gnomAD no frequency). In summary, the currently available evidence indicates that the variant is pathogenic, but additional data are needed to prove that conclusively. Therefore, this variant has been classified as Likely Pathogenic. Advanced modeling of protein sequence and biophysical properties (such as structural, functional, and spatial information, amino acid conservation, physicochemical variation, residue mobility, and thermodynamic stability) performed at Invitae indicates that this missense variant is expected to disrupt RYR2 protein function. ClinVar contains an entry for this variant (Variation ID: 201396). This missense change has been observed in individuals with catecholaminergic polymorphic ventricular tachycardia (CPVT) (PMID: 16188589, 30403697; Invitae). This sequence change replaces serine, which is neutral and polar, with arginine, which is basic and polar, at codon 3938 of the RYR2 protein (p.Ser3938Arg).

GeneDx
Classification: Uncertain significance. Last evaluated: 2019-01-11. Review status: criteria provided, single submitter. Criteria: GeneDx Variant Classification (06012015). Collection method: clinical testing. Allele origin: germline. Affected: yes.
Comment: S3938R, due to a different nucleotide change (c.11814 C>A), has been published in association with CPVT (Tester et al., 2006). The S3938R variant is not observed in large population cohorts (Lek et al., 2016). S3938R is a semi-conservative amino acid substitution, which may impact secondary protein structure as these residues differ in some properties. Moreover, in-silico analyses, including protein predictors and evolutionary conservation, support a deleterious effect. Finally, the S3938R variant is located in one of the three hot-spot regions of the RYR2 gene, where the majority of pathogenic missense variants occur (Medeiros-Domingo et al., 2009).Therefore, based on the currently available information, it is unclear whether this variant is pathogenic or rare benign.

Literature cited by the submitters: PubMed 16188589 (cited by Labcorp Genetics (formerly Invitae), Labcorp); PubMed 30403697 (cited by Labcorp Genetics (formerly Invitae), Labcorp).